The following is an entry in ClinVar:

NM_001379291.1(BRD4):c.3289C>T (p.Arg1097Cys)

Gene: BRD4 (bromodomain containing 4; minus strand). Cytogenetic location: 19p13.12.
Variant type: single nucleotide variant.
Coding change: c.3289C>T on transcript NM_001379291.1 (MANE Select); coding-DNA position 3289, C replaced by T.
Protein change: p.Arg1097Cys; replaces arginine 1097 with cysteine.
Molecular consequence: missense variant.
Genome position (GRCh38, 1-based): chr19:15,239,815, G>A on the plus strand (C>T on the coding strand, the complement: BRD4 is on the minus strand). VCF-style: chr19-15239815-G-A. GRCh37 (hg19) VCF-style: chr19-15350626-G-A.
Other names: c.3289C>T, p.Arg1097Cys (NM_058243.3); short protein forms R1097C.
Identifiers: ClinVar variation 2900956 (VCV002900956.3), dbSNP rs1234699192, ClinGen allele CA404500188.

ClinVar aggregate classification (germline): Uncertain significance (1 of 4 stars; one submission).

Allele frequency attached by ClinVar (database versions not stated): gnomAD 0.00001; gnomAD exomes below 0.00001; TOPMed 0.00002.
gnomAD v4.1: 8 of 1,613,526 alleles (0.0005%); highest among the groups gnomAD compares: Admixed American, 0.0067%; 1 homozygote.

Submission:

Labcorp Genetics (formerly Invitae), Labcorp
Classification: Uncertain significance. Last evaluated: 2025-11-07. Review status: criteria provided, single submitter. Criteria: Invitae Variant Classification Sherloc (09022015). Collection method: clinical testing. Allele origin: germline.
Comment: This sequence change replaces arginine, which is basic and polar, with cysteine, which is neutral and slightly polar, at codon 1097 of the BRD4 protein (p.Arg1097Cys). This variant is present in population databases (no rsID available, gnomAD 0.006%). This variant has not been reported in the literature in individuals affected with BRD4-related conditions. ClinVar contains an entry for this variant (Variation ID: 2900956). An algorithm developed to predict the effect of missense changes on protein structure and function (PolyPhen-2) suggests that this variant is likely to be disruptive. In summary, the available evidence is currently insufficient to determine the role of this variant in disease. Therefore, it has been classified as a Variant of Uncertain Significance.